The following is an entry in ClinVar:

ClinVar aggregate classification (germline): Pathogenic/Likely pathogenic. Review status: criteria provided, multiple submitters, no conflicts (2 of 4 stars). 7 submissions from 7 submitters: Pathogenic (6); Likely pathogenic (1). Last evaluated 2025-11-10.

Conditions:
NF1-related disorder. Also called: NF1-related condition. Identifiers: MedGen CN379171.
Hereditary cancer-predisposing syndrome. Also called: Neoplastic Syndromes, Hereditary; Tumor predisposition; Hereditary Cancer Syndrome; Hereditary neoplastic syndrome. Identifiers: Orphanet 140162, MedGen C0027672, MeSH D009386, MONDO:0015356.
Cardiovascular phenotype. Identifiers: MedGen CN230736.
Juvenile myelomonocytic leukemia (JMML). Also called: LEUKEMIA, JUVENILE MYELOMONOCYTIC, SOMATIC. Identifiers: Orphanet 86834, MedGen C0349639, MONDO:0011908, OMIM 607785, HP:0012209.
Neurofibromatosis-Noonan syndrome (NFNS). Also called: NEUROFIBROMATOSIS WITH NOONAN PHENOTYPE. Identifiers: Orphanet 638, MedGen C2931482, MONDO:0011035, OMIM 601321. Disease mechanism: loss of function.
Café-au-lait macules with pulmonary stenosis (WTSN). Also called: PULMONIC STENOSIS WITH CAFE-AU-LAIT SPOTS. Identifiers: MedGen C0553586, MONDO:0008672, OMIM 193520.
Neurofibromatosis, type 1 (NF1). Also called: VON RECKLINGHAUSEN DISEASE; Peripheral type neurofibromatosis; Neurofibromatosis, type I; NEUROFIBROMATOSIS, TYPE I, SOMATIC. Identifiers: Orphanet 636, MedGen C0027831, MONDO:0018975, OMIM 162200. Disease mechanism: loss of function.
Neurofibromatosis, familial spinal (FSNF). Identifiers: Orphanet 636, MedGen C1834235, MONDO:0008078, OMIM 162210. Disease mechanism: loss of function.

Submissions (7):

Labcorp Genetics (formerly Invitae), Labcorp
Classification: Pathogenic for Neurofibromatosis, type 1. Last evaluated: 2025-11-10. Review status: criteria provided, single submitter. Criteria: Invitae Variant Classification Sherloc (09022015). Collection method: clinical testing. Allele origin: germline.
Comment: This sequence change creates a premature translational stop signal (p.Gln1374*) in the NF1 gene. It is expected to result in an absent or disrupted protein product. Loss-of-function variants in NF1 are known to be pathogenic (PMID: 10712197, 23913538). This variant is not present in population databases (gnomAD no frequency). This premature translational stop signal has been observed in individual(s) with neurofibromatosis type 1 (PMID: 23624750, 27838393). ClinVar contains an entry for this variant (Variation ID: 547641). For these reasons, this variant has been classified as Pathogenic.

GeneDx
Classification: Pathogenic. Last evaluated: 2024-11-05. Review status: criteria provided, single submitter. Criteria: GeneDx Variant Classification Process June 2021. Collection method: clinical testing. Allele origin: germline. Affected: yes.
Comment: Nonsense variant predicted to result in protein truncation or nonsense mediated decay in a gene for which loss of function is a known mechanism of disease; Not observed at significant frequency in large population cohorts (gnomAD); This variant is associated with the following publications: (PMID: 37272364, 23624750, 27838393)

Fulgent Genetics
Classification: Pathogenic for Neurofibromatosis, type 1; Neurofibromatosis, familial spinal; Café-au-lait macules with pulmonary stenosis; Neurofibromatosis-Noonan syndrome; Juvenile myelomonocytic leukemia. Last evaluated: 2024-04-27. Review status: criteria provided, single submitter. Criteria: ACMG Guidelines, 2015. Collection method: clinical testing. Allele origin: germline.

Ambry Genetics
Classification: Pathogenic for Cardiovascular phenotype; Hereditary cancer-predisposing syndrome. Last evaluated: 2022-12-08. Review status: criteria provided, single submitter. Criteria: Ambry Variant Classification Scheme 2023. Collection method: clinical testing. Allele origin: germline.
Comment: The p.Q1374* pathogenic mutation (also known as c.4120C>T), located in coding exon 31 of the NF1 gene, results from a C to T substitution at nucleotide position 4120. This changes the amino acid from a glutamine to a stop codon within coding exon 31. This alteration has been identified in individuals with a clinical diagnosis of neurofibromatosis type 1 (Ambry internal data; Campos B et al. Breast Cancer Res Treat, 2013 Jun;139:597-602). This variant is considered to be rare based on population cohorts in the Genome Aggregation Database (gnomAD). In addition to the clinical data presented in the literature, this alteration is expected to result in loss of function by premature protein truncation or nonsense-mediated mRNA decay. As such, this alteration is interpreted as a disease-causing mutation.

Blueprint Genetics
Classification: Pathogenic for NF1-related disorders. Last evaluated: 2022-05-06. Review status: criteria provided, single submitter. Criteria: ACMG Guidelines, 2015. Collection method: clinical testing. Allele origin: germline. Affected: yes. Observed: 1 variant allele.

Genome-Nilou Lab
Classification: Pathogenic for Neurofibromatosis, type 1. Last evaluated: 2022-03-15. Review status: criteria provided, single submitter. Criteria: ACMG Guidelines, 2015. Collection method: clinical testing. Allele origin: germline. Affected: no.

Center for Human Genetics, Inc
Classification: Likely pathogenic for Neurofibromatosis, type 1. Last evaluated: 2016-11-01. Review status: criteria provided, single submitter. Criteria: ACMG Guidelines, 2015. Collection method: clinical testing. Allele origin: germline. Affected: yes.

Literature cited by the submitters: PubMed 10712197 (cited by Labcorp Genetics (formerly Invitae), Labcorp); PubMed 23913538 (cited by Labcorp Genetics (formerly Invitae), Labcorp); PubMed 23624750 (cited by Labcorp Genetics (formerly Invitae), Labcorp); PubMed 27838393 (cited by Labcorp Genetics (formerly Invitae), Labcorp).

NM_001042492.3(NF1):c.4183C>T (p.Gln1395Ter)

Gene: NF1 (neurofibromin 1; plus strand). Cytogenetic location: 17q11.2.
Variant type: single nucleotide variant.
Coding change: c.4183C>T on transcript NM_001042492.3 (MANE Select); coding-DNA position 4183, C replaced by T.
Protein change: p.Gln1395Ter; replaces glutamine 1395 with a stop codon.
Molecular consequence: nonsense.
Genome position (GRCh38, 1-based): chr17:31,258,353, C>T. VCF-style: chr17-31258353-C-T. GRCh37 (hg19) VCF-style: chr17-29585371-C-T.
Other names: c.4120C>T, p.Gln1374Ter (NM_000267.4); short protein forms Q1374*, Q1395*.
Identifiers: ClinVar variation 547641 (VCV000547641.13), dbSNP rs1555618494, ClinGen allele CA398997531.
Genomic context (GRCh38, chr17:31,258,353, plus strand): 5'-TCTTTATATTAATTCAAACCTTATACTCAATTCTCAACTCCTTGTTTTTAGGTGGTTAGC[C>T]AGCGTTTCCCTCAGAACAGCATCGGTGCAGTAGGAAGTGCCATGTTCCTCAGATTTATCA-3'